The following is an entry in ClinVar:

ClinVar aggregate classification (germline): Likely pathogenic (1 of 4 stars; one submission).

Conditions:
Hereditary acrodermatitis enteropathica (AEZ). Also called: Acrodermatitis enteropathica. Identifiers: Orphanet 37, MedGen C0221036, MONDO:0008713, OMIM 201100.

Submission:

Juno Genomics, Hangzhou Juno Genomics, Inc
Classification: Likely pathogenic for Hereditary acrodermatitis enteropathica. Review status: criteria provided, single submitter. Criteria: ACMG Guidelines, 2015. Collection method: clinical testing. Allele origin: germline.
Comment: Null variant in a gene where loss of function (LOF) is a known mechanism of disease.;Absent from controls (or at extremely low frequency if recessive) in Genome Aggregation Database.

NM_130849.4(SLC39A4):c.1189_1190insTGTG (p.Pro397fs)

Gene: SLC39A4 (solute carrier family 39 member 4; minus strand). Cytogenetic location: 8q24.3.
Variant type: Insertion.
Coding change: c.1189_1190insTGTG on transcript NM_130849.4 (MANE Select); coding-DNA positions 1189 to 1190, TGTG inserted.
Protein change: p.Pro397fs; shifts the reading frame from proline 397.
Molecular consequence: frameshift variant.
Genome position: GRCh38 VCF-style: chr8-144414055-G-GCACA. GRCh37 (hg19) VCF-style: chr8-145639439-G-GCACA.
Other names: c.907_908insTGTG, p.Pro303fs (NM_001374839.1); c.1114_1115insTGTG, p.Pro372fs (NM_017767.3); short protein forms P303fs, P397fs, P372fs.
Identifiers: ClinVar variation 5007284 (VCV005007284.2).